The following is an entry in ClinVar:

ClinVar aggregate classification (germline): Uncertain significance (1 of 4 stars; one submission).

Conditions:
T-cell immunodeficiency, congenital alopecia, and nail dystrophy. Also called: Congenital alopecia and nail dystrophy associated with severe functional T-cell immunodeficiency; Pignata Guarino syndrome. Identifiers: Orphanet 169095, MedGen C1866426, MONDO:0011132, OMIM 601705.

Submission:

Labcorp Genetics (formerly Invitae), Labcorp
Classification: Uncertain significance for T-cell immunodeficiency, congenital alopecia, and nail dystrophy. Last evaluated: 2025-04-18. Review status: criteria provided, single submitter. Criteria: Invitae Variant Classification Sherloc (09022015). Collection method: clinical testing. Allele origin: germline.
Comment: This sequence change replaces histidine, which is basic and polar, with asparagine, which is neutral and polar, at codon 516 of the FOXN1 protein (p.His516Asn). This variant is not present in population databases (gnomAD no frequency). This variant has not been reported in the literature in individuals affected with FOXN1-related conditions. Invitae Evidence Modeling of protein sequence and biophysical properties (such as structural, functional, and spatial information, amino acid conservation, physicochemical variation, residue mobility, and thermodynamic stability) indicates that this missense variant is not expected to disrupt FOXN1 protein function with a negative predictive value of 80%. In summary, the available evidence is currently insufficient to determine the role of this variant in disease. Therefore, it has been classified as a Variant of Uncertain Significance.

NM_001369369.1(FOXN1):c.1546C>A (p.His516Asn)

Gene: FOXN1 (forkhead box N1; plus strand). Cytogenetic location: 17q11.2.
Variant type: single nucleotide variant.
Coding change: c.1546C>A on transcript NM_001369369.1 (MANE Select); coding-DNA position 1546, C replaced by A.
Protein change: p.His516Asn; replaces histidine 516 with asparagine.
Molecular consequence: missense variant.
Genome position (GRCh38, 1-based): chr17:28,535,117, C>A. VCF-style: chr17-28535117-C-A. GRCh37 (hg19) VCF-style: chr17-26862135-C-A.
Other names: c.1546C>A, p.His516Asn (NM_003593.3); short protein forms H516N.
Identifiers: ClinVar variation 4725875 (VCV004725875.1).